The following is an entry in ClinVar:

ClinVar aggregate classification (germline): Uncertain significance (1 of 4 stars; one submission).

gnomAD v4.1: 2 of 1,614,234 alleles (0.00012%); no homozygotes.

Submission:

GeneDx
Classification: Uncertain significance. Last evaluated: 2023-03-24. Review status: criteria provided, single submitter. Criteria: GeneDx Variant Classification Process June 2021. Collection method: clinical testing. Allele origin: germline. Affected: yes.
Comment: Not observed at significant frequency in large population cohorts (gnomAD); In silico analysis supports that this missense variant does not alter protein structure/function; Has not been previously published as pathogenic or benign to our knowledge

NM_001127178.3(PIGG):c.1831G>C (p.Val611Leu)

Gene: PIGG (phosphatidylinositol glycan anchor biosynthesis class G (EMM blood group); plus strand). Cytogenetic location: 4p16.3.
Variant type: single nucleotide variant.
Coding change: c.1831G>C on transcript NM_001127178.3 (MANE Select); coding-DNA position 1831, G replaced by C.
Protein change: p.Val611Leu; replaces valine 611 with leucine.
Molecular consequence: missense variant. On other transcripts: non-coding transcript variant (6).
Genome position (GRCh38, 1-based): chr4:523,675, G>C. VCF-style: chr4-523675-G-C. GRCh37 (hg19) VCF-style: chr4-517464-G-C.
Other names: c.1564G>C, p.Val522Leu (NM_001289051.2, NM_001345986.2); c.1432G>C, p.Val478Leu (NM_001289052.2); c.1540G>C, p.Val514Leu (NM_001345987.2); c.802G>C, p.Val268Leu (NM_001345988.2); c.298G>C, p.Val100Leu (NM_001345990.2, NM_001345991.2); c.733G>C, p.Val245Leu (NM_001345994.2); c.1807G>C, p.Val603Leu (NM_017733.5); short protein forms V100L, V245L, V268L, V478L, V514L, V522L, V603L, V611L.
Identifiers: ClinVar variation 2580452 (VCV002580452.1), dbSNP rs770646287, ClinGen allele CA355907390.